The following is an entry in ClinVar:

ClinVar aggregate classification (germline): Uncertain significance (1 of 4 stars; one submission).

Conditions:
Jeune thoracic dystrophy. Also called: Short-rib thoracic dysplasia; Jeune syndrome; Infantile thoracic dystrophy; Thoracic pelvic phalangeal dystrophy; Jeune's syndrome; Chondroectodermal dysplasia-like syndrome. Identifiers: Orphanet 474, MedGen C0265275, MONDO:0018770.
Nephronophthisis. Also called: Juvenile Nephronophthisis. Identifiers: Orphanet 655, MedGen C0687120, MONDO:0019005, HP:0000090.

Allele frequency attached by ClinVar (database versions not stated): ExAC 0.00001; gnomAD 0.00001; gnomAD exomes 0.00002.
gnomAD v4.1: 25 of 1,612,780 alleles (0.0016%); highest among the groups gnomAD compares: East Asian, 0.0022%; no homozygotes.

Submission:

Labcorp Genetics (formerly Invitae), Labcorp
Classification: Uncertain significance for Jeune thoracic dystrophy; Nephronophthisis. Last evaluated: 2016-09-29. Review status: criteria provided, single submitter. Criteria: Invitae Variant Classification Sherloc (09022015). Collection method: clinical testing. Allele origin: germline.
Comment: This sequence change replaces arginine with tryptophan at codon 723 of the TTC21B protein (p.Arg723Trp). The arginine residue is moderately conserved and there is a moderate physicochemical difference between arginine and tryptophan. This variant is present in population databases (rs201500142, ExAC 0.002%) but has not been reported in the literature in individuals with a TTC21B-related disease. ClinVar contains an entry for this variant (Variation ID: 216766). Algorithms developed to predict the effect of missense changes on protein structure and function do not agree on the potential impact of this missense change (SIFT: "Deleterious"; PolyPhen-2: "Possibly Damaging"; Align-GVGD: "Class C0"). In summary, this variant is a rare missense change with uncertain impact on protein function. There is no indication that it causes disease, but the available evidence is currently insufficient to prove that conclusively. Therefore, it has been classified as a Variant of Uncertain Significance.

NM_024753.5(TTC21B):c.2167C>T (p.Arg723Trp)

Gene: TTC21B (tetratricopeptide repeat domain 21B; minus strand). Cytogenetic location: 2q24.3.
Variant type: single nucleotide variant.
Coding change: c.2167C>T on transcript NM_024753.5 (MANE Select); coding-DNA position 2167, C replaced by T.
Protein change: p.Arg723Trp; replaces arginine 723 with tryptophan.
Molecular consequence: missense variant.
Genome position (GRCh38, 1-based): chr2:165,913,618, G>A on the plus strand (C>T on the coding strand, the complement: TTC21B is on the minus strand). VCF-style: chr2-165913618-G-A. GRCh37 (hg19) VCF-style: chr2-166770128-G-A.
Other names: short protein forms R723W.
Identifiers: ClinVar variation 216766 (VCV000216766.8), dbSNP rs201500142, ClinGen allele CA335935.